The following is an entry in ClinVar:

NM_001127208.3(TET2):c.1299A>C (p.Glu433Asp)

Genes: TET2 (tet methylcytosine dioxygenase 2; plus strand), TET2-AS1 (TET2 antisense RNA 1; minus strand). Cytogenetic location: 4q24.
Variant type: single nucleotide variant.
Coding change: c.1299A>C on transcript NM_001127208.3 (MANE Select); coding-DNA position 1299, A replaced by C.
Protein change: p.Glu433Asp; replaces glutamic acid 433 with aspartic acid.
Molecular consequence: missense variant.
Genome position (GRCh38, 1-based): chr4:105,235,241, A>C. VCF-style: chr4-105235241-A-C. GRCh37 (hg19) VCF-style: chr4-106156398-A-C.
Other names: c.1299A>C, p.Glu433Asp (NM_017628.4); short protein forms E433D.
Identifiers: ClinVar variation 2169306 (VCV002169306.2), dbSNP rs775460827, ClinGen allele CA3031654.

ClinVar aggregate classification (germline): Uncertain significance (1 of 4 stars; one submission).

Allele frequency attached by ClinVar (database versions not stated): gnomAD 0.00001; gnomAD exomes 0.00002; ExAC 0.00004; TOPMed 0.00005.
gnomAD v4.1: 29 of 1,613,948 alleles (0.0018%); highest among the groups gnomAD compares: Admixed American, 0.023%; no homozygotes.

Submission:

Labcorp Genetics (formerly Invitae), Labcorp
Classification: Uncertain significance. Last evaluated: 2023-02-14. Review status: criteria provided, single submitter. Criteria: Invitae Variant Classification Sherloc (09022015). Collection method: clinical testing. Allele origin: germline.
Comment: This sequence change replaces glutamic acid, which is acidic and polar, with aspartic acid, which is acidic and polar, at codon 433 of the TET2 protein (p.Glu433Asp). This variant is present in population databases (rs775460827, gnomAD 0.04%). This variant has not been reported in the literature in individuals affected with TET2-related conditions. Algorithms developed to predict the effect of missense changes on protein structure and function output the following: SIFT: "Tolerated"; PolyPhen-2: "Benign"; Align-GVGD: "Class C0". The aspartic acid amino acid residue is found in multiple mammalian species, which suggests that this missense change does not adversely affect protein function. In summary, the available evidence is currently insufficient to determine the role of this variant in disease. Therefore, it has been classified as a Variant of Uncertain Significance.